The following is an entry in ClinVar:

NM_000059.4(BRCA2):c.9230T>A (p.Phe3077Tyr)

Gene: BRCA2 (BRCA2 DNA repair associated; plus strand). Cytogenetic location: 13q13.1.
Variant type: single nucleotide variant.
Coding change: c.9230T>A on transcript NM_000059.4 (MANE Select); coding-DNA position 9230, T replaced by A.
Protein change: p.Phe3077Tyr; replaces phenylalanine 3077 with tyrosine.
Molecular consequence: missense variant.
Genome position (GRCh38, 1-based): chr13:32,380,119, T>A. VCF-style: chr13-32380119-T-A. GRCh37 (hg19) VCF-style: chr13-32954256-T-A.
Other names: short protein forms F3077Y.
Identifiers: ClinVar variation 489796 (VCV000489796.7), dbSNP rs1555288570, ClinGen allele CA387758535.

ClinVar aggregate classification (germline): Uncertain significance. Review status: criteria provided, multiple submitters, no conflicts (2 of 4 stars). 2 submissions from 2 submitters: Uncertain significance (2). Last evaluated 2026-01-16.

Conditions:
Hereditary cancer-predisposing syndrome. Also called: Tumor predisposition; Hereditary Cancer Syndrome; Neoplastic Syndromes, Hereditary; Hereditary neoplastic syndrome. Identifiers: Orphanet 140162, MedGen C0027672, MeSH D009386, MONDO:0015356.

Allele frequency attached by ClinVar (database versions not stated): gnomAD exomes below 0.00001.
gnomAD v4.1: 1 of 1,613,790 alleles (0.000062%); highest among the groups gnomAD compares: Non-Finnish European, 0.000085%; no homozygotes.

Submissions (2):

Ambry Genetics
Classification: Uncertain significance for Hereditary cancer-predisposing syndrome. Last evaluated: 2026-01-16. Review status: criteria provided, single submitter. Criteria: Ambry Variant Classification Scheme 2023. Collection method: clinical testing. Allele origin: germline.
Comment: The p.F3077Y variant (also known as c.9230T>A), located in coding exon 23 of the BRCA2 gene, results from a T to A substitution at nucleotide position 9230. The phenylalanine at codon 3077 is replaced by tyrosine, an amino acid with highly similar properties. The results from two saturation genome editing-based studies, including a haploid cell-survival assay and a humanized mouse embryonic stem cell line assay of drug response and survival, are discordant for this nucleotide substitution (Huang H et al. Nature. 2025 Feb;638(8050):528-537; Sahu S et al. Nature. 2025 Feb;638(8050):538-545).This amino acid position is not well conserved in available vertebrate species. In addition, the in silico prediction for this alteration is inconclusive. Based on the available evidence, the clinical significance of this variant remains unclear.

Color Diagnostics, LLC DBA Color Health
Classification: Uncertain significance for Hereditary cancer-predisposing syndrome. Last evaluated: 2023-12-05. Review status: criteria provided, single submitter. Criteria: ACMG Guidelines, 2015. Collection method: clinical testing. Allele origin: germline.
Comment: This missense variant replaces phenylalanine with tyrosine at codon 3077 of the BRCA2 protein. Computational prediction suggests that this variant may not impact protein structure and function (internally defined REVEL score threshold <= 0.5, PMID: 27666373). To our knowledge, functional studies have not been reported for this variant. This variant has not been reported in individuals affected with BRCA2-related disorders in the literature. This variant has not been identified in the general population by the Genome Aggregation Database (gnomAD). The available evidence is insufficient to determine the role of this variant in disease conclusively. Therefore, this variant is classified as a Variant of Uncertain Significance.

Literature cited by the submitters: PubMed 39779848 (cited by Ambry Genetics); PubMed 39779857 (cited by Ambry Genetics).